The following is an entry in ClinVar:

NM_013435.3(RAX):c.538G>C (p.Val180Leu)

Gene: RAX (retina and anterior neural fold homeobox; minus strand). Cytogenetic location: 18q21.32.
Variant type: single nucleotide variant.
Coding change: c.538G>C on transcript NM_013435.3 (MANE Select); coding-DNA position 538, G replaced by C.
Protein change: p.Val180Leu; replaces valine 180 with leucine.
Molecular consequence: missense variant.
Genome position (GRCh38, 1-based): chr18:59,272,366, C>G on the plus strand (G>C on the coding strand, the complement: RAX is on the minus strand). VCF-style: chr18-59272366-C-G. GRCh37 (hg19) VCF-style: chr18-56939598-C-G.
Other names: short protein forms V180L.
Identifiers: ClinVar variation 2127199 (VCV002127199.4), dbSNP rs2511488172, ClinGen allele CA402586454.

ClinVar aggregate classification (germline): Uncertain significance (1 of 4 stars; one submission).

Conditions:
Isolated microphthalmia 3 (MCOPS16). Also called: MICROPHTHALMIA, SYNDROMIC 16. Identifiers: Orphanet 2542, MedGen C5774181, MONDO:0012604, OMIM 611038.

Submission:

Labcorp Genetics (formerly Invitae), Labcorp
Classification: Uncertain significance for Isolated microphthalmia 3. Last evaluated: 2024-10-14. Review status: criteria provided, single submitter. Criteria: Invitae Variant Classification Sherloc (09022015). Collection method: clinical testing. Allele origin: germline.
Comment: This sequence change replaces valine, which is neutral and non-polar, with leucine, which is neutral and non-polar, at codon 180 of the RAX protein (p.Val180Leu). This variant is not present in population databases (gnomAD no frequency). This variant has not been reported in the literature in individuals affected with RAX-related conditions. ClinVar contains an entry for this variant (Variation ID: 2127199). An algorithm developed to predict the effect of missense changes on protein structure and function (PolyPhen-2) suggests that this variant is likely to be disruptive. In summary, the available evidence is currently insufficient to determine the role of this variant in disease. Therefore, it has been classified as a Variant of Uncertain Significance.